The following is an entry in ClinVar:

NM_000051.4(ATM):c.3041C>T (p.Ala1014Val)

Gene: ATM (ATM serine/threonine kinase; plus strand). Cytogenetic location: 11q22.3.
Variant type: single nucleotide variant.
Coding change: c.3041C>T on transcript NM_000051.4 (MANE Select); coding-DNA position 3041, C replaced by T.
Protein change: p.Ala1014Val; replaces alanine 1014 with valine.
Molecular consequence: missense variant.
Genome position (GRCh38, 1-based): chr11:108,271,370, C>T. VCF-style: chr11-108271370-C-T. GRCh37 (hg19) VCF-style: chr11-108142097-C-T.
Other names: c.3041C>T, p.Ala1014Val (NM_001351834.2); short protein forms A1014V.
Identifiers: ClinVar variation 2006901 (VCV002006901.4), dbSNP rs2135554281, ClinGen allele CA382547573.
Genomic context (GRCh38, chr11:108,271,370, plus strand): 5'-TCCTTCATGTAGTGAAAAACCTAGGTCAAAGCAATATGGACTCTGAGAACACAAGGGATG[C>T]TCAAGGACAGTTTCTTACAGTAATTGGAGCATTTTGGTAGGTACAGTCTATTTTGTGGTC-3'
Protein context (NP_000042.3, residues 1004-1024): SNMDSENTRD[Ala1014Val]QGQFLTVIGA

ClinVar aggregate classification (germline): Uncertain significance (1 of 4 stars; one submission).

Conditions:
Ataxia-telangiectasia syndrome (AT). Also called: Cerebello-oculocutaneous telangiectasia; Immunodeficiency with ataxia telangiectasia; Ataxia telangiectasia (A-T); LOUIS-BAR SYNDROME; Ataxia-telangiectasia, complementation group D; AT, COMPLEMENTATION GROUP C. Identifiers: Orphanet 100, MedGen C0004135, MONDO:0008840, OMIM 208900.

Submission:

Labcorp Genetics (formerly Invitae), Labcorp
Classification: Uncertain significance for Ataxia-telangiectasia syndrome. Last evaluated: 2022-06-24. Review status: criteria provided, single submitter. Criteria: Invitae Variant Classification Sherloc (09022015). Collection method: clinical testing. Allele origin: germline.
Comment: This sequence change replaces alanine, which is neutral and non-polar, with valine, which is neutral and non-polar, at codon 1014 of the ATM protein (p.Ala1014Val). This variant is not present in population databases (gnomAD no frequency). This variant has not been reported in the literature in individuals affected with ATM-related conditions. Advanced modeling of protein sequence and biophysical properties (such as structural, functional, and spatial information, amino acid conservation, physicochemical variation, residue mobility, and thermodynamic stability) performed at Invitae indicates that this missense variant is not expected to disrupt ATM protein function. In summary, the available evidence is currently insufficient to determine the role of this variant in disease. Therefore, it has been classified as a Variant of Uncertain Significance.